The following is an entry in ClinVar:

ClinVar aggregate classification (germline): Uncertain significance. Review status: criteria provided, single submitter (1 of 4 stars). 2 submissions from 2 submitters: Uncertain significance (1). 1 of the submissions does not count toward it. Last evaluated 2023-11-19.

Conditions:
GCGR-related hyperglucagonemia. Also called: ALPHA-CELL HYPERPLASIA WITH GLUCAGONEMIA; Mahvash disease. Identifiers: Orphanet 438274, MedGen C4763635, MONDO:0018582, OMIM 619290.

Allele frequency attached by ClinVar (database versions not stated): gnomAD 0.00001; TOPMed 0.00002; gnomAD exomes 0.00004.

Submissions (2):

Labcorp Genetics (formerly Invitae), Labcorp
Classification: Uncertain significance. Last evaluated: 2023-11-19. Review status: criteria provided, single submitter. Criteria: Invitae Variant Classification Sherloc (09022015). Collection method: clinical testing. Allele origin: germline.
Comment: This sequence change replaces aspartic acid, which is acidic and polar, with asparagine, which is neutral and polar, at codon 63 of the GCGR protein (p.Asp63Asn). This variant is present in population databases (no rsID available, gnomAD 0.01%). This missense change has been observed in individual(s) with hypercalcemia (PMID: 30032256). ClinVar contains an entry for this variant (Variation ID: 1064739). An algorithm developed to predict the effect of missense changes on protein structure and function (PolyPhen-2) suggests that this variant is likely to be disruptive. Experimental studies have shown that this missense change affects GCGR function (PMID: 30294546). In summary, the available evidence is currently insufficient to determine the role of this variant in disease. Therefore, it has been classified as a Variant of Uncertain Significance.

OMIM
Classification: Pathogenic for MAHVASH DISEASE. Last evaluated: 2021-04-22. Review status: no assertion criteria provided. Collection method: literature only. Allele origin: germline. Not counted in ClinVar's aggregate classification.

Literature cited by the submitters: PubMed 30032256 (cited by Labcorp Genetics (formerly Invitae), Labcorp and OMIM); PubMed 30294546 (cited by Labcorp Genetics (formerly Invitae), Labcorp).

NM_000160.5(GCGR):c.187G>A (p.Asp63Asn)

Gene: GCGR (glucagon receptor; plus strand). Cytogenetic location: 17q25.3.
Variant type: single nucleotide variant.
Coding change: c.187G>A on transcript NM_000160.5 (MANE Select); coding-DNA position 187, G replaced by A.
Protein change: p.Asp63Asn; replaces aspartic acid 63 with asparagine.
Molecular consequence: missense variant.
Genome position (GRCh38, 1-based): chr17:81,810,848, G>A. VCF-style: chr17-81810848-G-A. GRCh37 (hg19) VCF-style: chr17-79768724-G-A.
Other names: short protein forms D63N.
Identifiers: ClinVar variation 1064739 (VCV001064739.4), dbSNP rs1219737977, ClinGen allele CA401492115.